The following is an entry in ClinVar:

ClinVar aggregate classification (germline): Benign/Likely benign. Review status: criteria provided, multiple submitters, no conflicts (2 of 4 stars). 5 submissions from 5 submitters: Benign (1); Likely benign (4). Last evaluated 2025-07-17.

Conditions:
Idiopathic Pulmonary Fibrosis. Also called: Idiopathic fibrosing alveolitis, chronic form; idiopathic fibrosing alveolitis. Identifiers: Orphanet 2032, MedGen C1800706, MeSH D054990, MONDO:0800504.
Dyskeratosis congenita, autosomal dominant 2. Identifiers: MedGen C3151443, MONDO:0013521, OMIM 613989.
Melanoma, cutaneous malignant, susceptibility to, 9. Also called: Cutaneous malignant melanoma 9. Identifiers: Orphanet 618, MedGen C3554574, MONDO:0014056, OMIM 615134.
Dyskeratosis congenita. Identifiers: Orphanet 1775, MedGen C0265965, MONDO:0015780.

Allele frequency attached by ClinVar (database versions not stated): gnomAD 0.00001; TOPMed 0.00002; 1000 Genomes Project 30x 0.00016; 1000 Genomes Project 0.00020.
gnomAD v4.1: 31 of 1,611,826 alleles (0.0019%); highest among the groups gnomAD compares: Middle Eastern, 0.033%; no homozygotes.

Submissions (5):

Labcorp Genetics (formerly Invitae), Labcorp
Classification: Likely benign for Dyskeratosis congenita, autosomal dominant 2; Idiopathic Pulmonary Fibrosis. Last evaluated: 2025-07-17. Review status: criteria provided, single submitter. Criteria: Invitae Variant Classification Sherloc (09022015). Collection method: clinical testing. Allele origin: germline.

KCCC/NGS Laboratory, Kuwait Cancer Control Center
Classification: Benign for Melanoma, cutaneous malignant, susceptibility to, 9. Last evaluated: 2025-02-01. Review status: criteria provided, single submitter. Criteria: ACMG Guidelines, 2015. Collection method: clinical testing. Allele origin: germline. Affected: no.

CeGaT Center for Human Genetics Tuebingen
Classification: Likely benign. Last evaluated: 2023-07-01. Review status: criteria provided, single submitter. Criteria: CeGaT Center For Human Genetics Tuebingen Variant Classification Criteria Version 2. Collection method: clinical testing. Allele origin: germline. Affected: yes. Observed: 1 variant allele.
Comment: TERT: BP4, BP7

Ambry Genetics
Classification: Likely benign for Dyskeratosis congenita. Last evaluated: 2022-08-28. Review status: criteria provided, single submitter. Criteria: Ambry Variant Classification Scheme 2023. Collection method: clinical testing. Allele origin: germline.

Breakthrough Genomics
Classification: Likely benign. Review status: criteria provided, single submitter. Criteria: ACMG Guidelines, 2015. Collection method: not provided. Allele origin: germline. Inheritance: Autosomal recessive inheritance. Affected: yes.

NM_198253.3(TERT):c.3165G>A (p.Ser1055=)

Gene: TERT (telomerase reverse transcriptase; minus strand). Cytogenetic location: 5p15.33.
Variant type: single nucleotide variant.
Coding change: c.3165G>A on transcript NM_198253.3 (MANE Select); coding-DNA position 3165, G replaced by A.
Protein change: p.Ser1055=; no amino-acid change (serine 1055 retained).
Molecular consequence: synonymous variant. On other transcripts: non-coding transcript variant (2).
Genome position (GRCh38, 1-based): chr5:1,254,498, C>T on the plus strand (G>A on the coding strand, the complement: TERT is on the minus strand). VCF-style: chr5-1254498-C-T. GRCh37 (hg19) VCF-style: chr5-1254613-C-T.
Other names: c.2976G>A, p.Ser992= (NM_001193376.3).
Identifiers: ClinVar variation 416277 (VCV000416277.39), dbSNP rs554739019, ClinGen allele CA3184253.